The following is an entry in ClinVar:

NM_001365925.2(NLGN1):c.1274G>T (p.Gly425Val)

Gene: NLGN1 (neuroligin 1; plus strand). Cytogenetic location: 3q26.31.
Variant type: single nucleotide variant.
Coding change: c.1274G>T on transcript NM_001365925.2 (MANE Select); coding-DNA position 1274, G replaced by T.
Protein change: p.Gly425Val; replaces glycine 425 with valine.
Molecular consequence: missense variant.
Genome position (GRCh38, 1-based): chr3:174,279,215, G>T. VCF-style: chr3-174279215-G-T. GRCh37 (hg19) VCF-style: chr3-173997005-G-T.
Other names: c.1274G>T, p.Gly425Val (NM_001365923.2, NM_001365924.2, NM_001365926.2 and 2 more transcripts); c.1214G>T, p.Gly405Val (NM_001365929.2, NM_001365930.2, NM_001365931.2 and 3 more transcripts); c.1187G>T, p.Gly396Val (NM_001365934.2, NM_001365935.2, NM_001365936.2); short protein forms G425V, G396V, G405V.
Identifiers: ClinVar variation 5006590 (VCV005006590.2).

ClinVar aggregate classification (germline): Uncertain significance (1 of 4 stars; one submission).

Conditions:
Autism, susceptibility to, 20. Identifiers: MedGen C5394226, MONDO:0030004, OMIM 618830.

Submission:

Juno Genomics, Hangzhou Juno Genomics, Inc
Classification: Uncertain significance for Autism, susceptibility to, 20. Review status: criteria provided, single submitter. Criteria: ACMG Guidelines, 2015. Collection method: clinical testing. Allele origin: germline.
Comment: Missense variant in a gene that has a low rate of benign missense variation.;Multiple lines of computational evidence support a deleterious effect on the gene or gene product.;Absent from controls (or at extremely low frequency if recessive) in Genome Aggregation Database.